The following is an entry in ClinVar:

ClinVar aggregate classification (germline): Likely pathogenic (1 of 4 stars; one submission).

Conditions:
Cholestasis, progressive familial intrahepatic, 7, with or without hearing loss. Identifiers: MedGen C5562043, MONDO:0030503, OMIM 619658.

Submission:

3billion
Classification: Likely pathogenic for Cholestasis, progressive familial intrahepatic, 7, with or without hearing loss. Last evaluated: 2022-03-22. Review status: criteria provided, single submitter. Criteria: ACMG Guidelines, 2015. Collection method: clinical testing. Allele origin: germline. Affected: yes. Observed: 1 heterozygote.
Comment: Stop-gained (nonsense): predicted to result in a loss or disruption of normal protein function through nonsense-mediated decay (NMD) or protein truncation. Multiple pathogenic variants are reported downstream of the variant.It is not observed in the gnomAD v2.1.1 dataset. Therefore, this variant is classified as likely pathogenic according to the recommendation of ACMG/AMP guideline.

NM_001371395.1(USP53):c.158T>A (p.Leu53Ter)

Gene: USP53 (ubiquitin specific peptidase 53; plus strand). Cytogenetic location: 4q26.
Variant type: single nucleotide variant.
Coding change: c.158T>A on transcript NM_001371395.1 (MANE Select); coding-DNA position 158, T replaced by A.
Protein change: p.Leu53Ter; replaces leucine 53 with a stop codon.
Molecular consequence: nonsense. On other transcripts: 5 prime UTR variant (6).
Genome position (GRCh38, 1-based): chr4:119,245,350, T>A. VCF-style: chr4-119245350-T-A. GRCh37 (hg19) VCF-style: chr4-120166505-T-A.
Other names: c.158T>A, p.Leu53Ter (NM_001371396.1, NM_001371397.1, NM_001371398.1 and 6 more transcripts); c.-191T>A (NM_001389662.1, NM_001389663.1, NM_001389664.1 and 3 more transcripts); short protein forms L53*.
Identifiers: ClinVar variation 1526033 (VCV001526033.1), dbSNP rs2149341072, ClinGen allele CA358022260.